The following is an entry in ClinVar:

NM_000057.4(BLM):c.3053C>G (p.Thr1018Ser)

Gene: BLM (BLM RecQ like helicase; plus strand). Cytogenetic location: 15q26.1.
Variant type: single nucleotide variant.
Coding change: c.3053C>G on transcript NM_000057.4 (MANE Select); coding-DNA position 3053, C replaced by G.
Protein change: p.Thr1018Ser; replaces threonine 1018 with serine.
Molecular consequence: missense variant.
Genome position (GRCh38, 1-based): chr15:90,794,200, C>G. VCF-style: chr15-90794200-C-G. GRCh37 (hg19) VCF-style: chr15-91337430-C-G.
Other names: c.3053C>G, p.Thr1018Ser (NM_001287246.2, NM_001287247.2); c.1928C>G, p.Thr643Ser (NM_001287248.2); short protein forms T1018S, T643S.
Identifiers: ClinVar variation 3991669 (VCV003991669.1).

ClinVar aggregate classification (germline): Uncertain significance (1 of 4 stars; one submission).

Conditions:
Hereditary cancer-predisposing syndrome. Also called: Tumor predisposition; Hereditary neoplastic syndrome; Neoplastic Syndromes, Hereditary; Hereditary Cancer Syndrome. Identifiers: Orphanet 140162, MedGen C0027672, MeSH D009386, MONDO:0015356.

Submission:

Ambry Genetics
Classification: Uncertain significance for Hereditary cancer-predisposing syndrome. Last evaluated: 2025-05-16. Review status: criteria provided, single submitter. Criteria: Ambry Variant Classification Scheme 2023. Collection method: clinical testing. Allele origin: germline.
Comment: The p.T1018S variant (also known as c.3053C>G), located in coding exon 15 of the BLM gene, results from a C to G substitution at nucleotide position 3053. The threonine at codon 1018 is replaced by serine, an amino acid with similar properties. This amino acid position is conserved. In addition, the in silico prediction for this alteration is inconclusive. Based on the available evidence, the clinical significance of this variant remains unclear.